The following is an entry in ClinVar:

NM_001081.4(CUBN):c.7637T>G (p.Ile2546Ser)

Gene: CUBN (cubilin; minus strand). Cytogenetic location: 10p13.
Variant type: single nucleotide variant.
Coding change: c.7637T>G on transcript NM_001081.4 (MANE Select); coding-DNA position 7637, T replaced by G.
Protein change: p.Ile2546Ser; replaces isoleucine 2546 with serine.
Molecular consequence: missense variant.
Genome position (GRCh38, 1-based): chr10:16,907,576, A>C on the plus strand (T>G on the coding strand, the complement: CUBN is on the minus strand). VCF-style: chr10-16907576-A-C. GRCh37 (hg19) VCF-style: chr10-16949575-A-C.
Other names: short protein forms I2546S.
Identifiers: ClinVar variation 2188682 (VCV002188682.4), dbSNP rs1429839141, ClinGen allele CA376144194.
Genomic context (GRCh38, chr10:16,907,576, plus strand): 5'-TCACTGGAGGTATAGGAAGCAGTGAAGCCGCCATATGGCCTGGATCCATCCGTGAAAAAA[A>C]TGACTTTCATTGTGTTTCCTGAAGATTTAATCTCATTGCTTACATTCACACTACTACACA-3'
Protein context (NP_001072.2, residues 2536-2556): IKSSGNTMKV[Ile2546Ser]FFTDGSRPYG

ClinVar aggregate classification (germline): Uncertain significance (1 of 4 stars; one submission).

Conditions:
Imerslund-Grasbeck syndrome. Also called: Megaloblastic anemia due to inborn errors of metabolism; ENTEROCYTE COBALAMIN MALABSORPTION; ENTEROCYTE INTRINSIC FACTOR RECEPTOR, DEFECT OF; Imerslund-Gräsbeck syndrome; PERNICIOUS ANEMIA, JUVENILE, DUE TO SELECTIVE INTESTINAL MALABSORPTION OF VITAMIN B12, WITH PROTEINURIA. Identifiers: Orphanet 35858, MedGen C4551825, MONDO:0009853.

Allele frequency attached by ClinVar (database versions not stated): gnomAD exomes below 0.00001.
gnomAD v4.1: 6 of 1,614,034 alleles (0.00037%); highest among the groups gnomAD compares: Non-Finnish European, 0.00051%; no homozygotes.

Submission:

Labcorp Genetics (formerly Invitae), Labcorp
Classification: Uncertain significance for Imerslund-Grasbeck syndrome. Last evaluated: 2022-06-07. Review status: criteria provided, single submitter. Criteria: Invitae Variant Classification Sherloc (09022015). Collection method: clinical testing. Allele origin: germline.
Comment: This sequence change replaces isoleucine, which is neutral and non-polar, with serine, which is neutral and polar, at codon 2546 of the CUBN protein (p.Ile2546Ser). This variant is not present in population databases (gnomAD no frequency). This variant has not been reported in the literature in individuals affected with CUBN-related conditions. Algorithms developed to predict the effect of missense changes on protein structure and function (SIFT, PolyPhen-2, Align-GVGD) all suggest that this variant is likely to be disruptive. In summary, the available evidence is currently insufficient to determine the role of this variant in disease. Therefore, it has been classified as a Variant of Uncertain Significance.